The following is an entry in ClinVar:

NM_005876.5(SPEG):c.3151A>G (p.Thr1051Ala)

Gene: SPEG (striated muscle enriched protein kinase; plus strand). Cytogenetic location: 2q35.
Variant type: single nucleotide variant.
Coding change: c.3151A>G on transcript NM_005876.5 (MANE Select); coding-DNA position 3151, A replaced by G.
Protein change: p.Thr1051Ala; replaces threonine 1051 with alanine.
Molecular consequence: missense variant.
Genome position (GRCh38, 1-based): chr2:219,468,586, A>G. VCF-style: chr2-219468586-A-G. GRCh37 (hg19) VCF-style: chr2-220333308-A-G.
Other names: short protein forms T1051A.
Identifiers: ClinVar variation 4727415 (VCV004727415.1).

ClinVar aggregate classification (germline): Uncertain significance (1 of 4 stars; one submission).

Submission:

Labcorp Genetics (formerly Invitae), Labcorp
Classification: Uncertain significance. Last evaluated: 2025-09-18. Review status: criteria provided, single submitter. Criteria: Invitae Variant Classification Sherloc (09022015). Collection method: clinical testing. Allele origin: germline.
Comment: This sequence change replaces threonine, which is neutral and polar, with alanine, which is neutral and non-polar, at codon 1051 of the SPEG protein (p.Thr1051Ala). This variant is not present in population databases (gnomAD no frequency). This variant has not been reported in the literature in individuals affected with SPEG-related conditions. An algorithm developed to predict the effect of missense changes on protein structure and function (PolyPhen-2) suggests that this variant is likely to be disruptive. In summary, the available evidence is currently insufficient to determine the role of this variant in disease. Therefore, it has been classified as a Variant of Uncertain Significance.